The following is an entry in ClinVar:

ClinVar aggregate classification (germline): Uncertain significance (1 of 4 stars; one submission).

Submission:

Clinical Genomics Laboratory, Laboratory for Precision Diagnostics, University of Washington
Classification: Uncertain significance. Last evaluated: 2021-11-26. Review status: criteria provided, single submitter. Criteria: ACMG/ClinGen CNV Guidelines, 2019. Collection method: clinical testing. Allele origin: unknown. Affected: yes. Observed: 1 variant allele.
Comment: The triplication is approximately 709 kb in size and is located within the pseudo-autosomal region of Xp. The proximal breakpoint lies within two protein-coding genes, DHRSX and ZBED1. It is unknown whether this triplication would disrupt DHRSX or ZBED1, but neither of these genes are known to cause medical problems in humans when one copy is disrupted. This is not a known triplosensitive genomic region. CMA cannot distinguish tandem duplications from an insertion elsewhere in the genome with potential for pathogenic disruption of genes at the insertion site. Several patients with similar duplications are entered into DECIPHER, and ClinVar contains several similar duplications variously classified as a variant of uncertain significance, likely benign, and benign. A few duplications with a breakpoint in DHRSX are also seen in DGV and gnomAD, two databases of copy number variants found in healthy control groups.

GRCh38/hg38 Xp22.33(chrX:1778594-2487700)x4

Genes: DHRSX (dehydrogenase/reductase X-linked; minus strand), ZBED1 (zinc finger BED-type containing 1; minus strand). Cytogenetic location: Xp22.33.
Variant type: copy number gain.
Change: copy number 4 of chrX:1,778,594-2,487,700 (709.1 kb, GRCh38 coordinates, 1-based), cytogenetic band Xp22.33.
Identifiers: ClinVar variation 4755370 (VCV004755370.1).